The following is an entry in ClinVar:

ClinVar aggregate classification (germline): Uncertain significance (1 of 4 stars; one submission).

Submission:

Ambry Genetics
Classification: Uncertain significance. Last evaluated: 2021-07-07. Review status: criteria provided, single submitter. Criteria: Ambry Variant Classification Scheme 2023. Collection method: clinical testing. Allele origin: germline.
Comment: The p.Q286H variant (also known as c.858A>C), located in coding exon 9 of the RASA2 gene, results from an A to C substitution at nucleotide position 858. The glutamine at codon 286 is replaced by histidine, an amino acid with highly similar properties. This amino acid position is conserved. In addition, this alteration is predicted to be tolerated by in silico analysis. Since supporting evidence is limited at this time, the clinical significance of this alteration remains unclear.

NM_006506.5(RASA2):c.858A>C (p.Gln286His)

Gene: RASA2 (RAS p21 protein activator 2; plus strand). Cytogenetic location: 3q23.
Variant type: single nucleotide variant.
Coding change: c.858A>C on transcript NM_006506.5 (MANE Select); coding-DNA position 858, A replaced by C.
Protein change: p.Gln286His; replaces glutamine 286 with histidine.
Molecular consequence: missense variant.
Genome position (GRCh38, 1-based): chr3:141,559,990, A>C. VCF-style: chr3-141559990-A-C. GRCh37 (hg19) VCF-style: chr3-141278832-A-C.
Other names: c.858A>C, p.Gln286His (NM_001303245.3, NM_001303246.3); short protein forms Q286H.
Identifiers: ClinVar variation 1763933 (VCV001763933.2), dbSNP rs2082707797, ClinGen allele CA354773182.